The following is an entry in ClinVar:

NM_001005373.4(LRSAM1):c.1579G>A (p.Glu527Lys)

Gene: LRSAM1 (leucine rich repeat and sterile alpha motif containing 1; plus strand). Cytogenetic location: 9q33.3.
Variant type: single nucleotide variant.
Coding change: c.1579G>A on transcript NM_001005373.4 (MANE Select); coding-DNA position 1579, G replaced by A.
Protein change: p.Glu527Lys; replaces glutamic acid 527 with lysine.
Molecular consequence: missense variant. On other transcripts: non-coding transcript variant (2).
Genome position (GRCh38, 1-based): chr9:127,492,877, G>A. VCF-style: chr9-127492877-G-A. GRCh37 (hg19) VCF-style: chr9-130255156-G-A.
Other names: c.1579G>A, p.Glu527Lys (NM_001005374.4, NM_001384142.1, NM_001384143.1 and 1 more transcripts); c.1498G>A, p.Glu500Lys (NM_001190723.3); c.790G>A, p.Glu264Lys (NM_001384144.1); short protein forms E500K, E264K, E527K.
Identifiers: ClinVar variation 1775639 (VCV001775639.2), dbSNP rs1200589823, ClinGen allele CA374934450.

ClinVar aggregate classification (germline): Uncertain significance (1 of 4 stars; one submission).

Conditions:
Inborn genetic diseases. Identifiers: MedGen C0950123, MeSH D030342.

Submission:

Ambry Genetics
Classification: Uncertain significance for Inborn genetic diseases. Last evaluated: 2021-06-21. Review status: criteria provided, single submitter. Criteria: Ambry Variant Classification Scheme 2023. Collection method: clinical testing. Allele origin: germline.
Comment: The p.E527K variant (also known as c.1579G>A), located in coding exon 19 of the LRSAM1 gene, results from a G to A substitution at nucleotide position 1579. The glutamic acid at codon 527 is replaced by lysine, an amino acid with similar properties. This amino acid position is well conserved in available vertebrate species. In addition, the in silico prediction for this alteration is inconclusive. Since supporting evidence is limited at this time, the clinical significance of this alteration remains unclear.